The following is an entry in ClinVar:

ClinVar aggregate classification (germline): Likely pathogenic (1 of 4 stars; one submission).

Conditions:
Developmental and epileptic encephalopathy, 9 (DEE9). Also called: Early infantile epileptic encephalopathy 9; PCDH19-Related X-Linked Female-Limited Epilepsy with Mental Retardation; EPILEPSY, FEMALE-RESTRICTED, WITH MENTAL RETARDATION; JUBERG-HELLMAN SYNDROME. Identifiers: Orphanet 101039, Orphanet 2076, MedGen C1848137, MONDO:0010246, OMIM 300088. Disease mechanism: loss of function.

Submission:

Labcorp Genetics (formerly Invitae), Labcorp
Classification: Likely pathogenic for Developmental and epileptic encephalopathy, 9. Last evaluated: 2024-07-09. Review status: criteria provided, single submitter. Criteria: Invitae Variant Classification Sherloc (09022015). Collection method: clinical testing. Allele origin: germline.
Comment: This sequence change replaces aspartic acid, which is acidic and polar, with glycine, which is neutral and non-polar, at codon 90 of the PCDH19 protein (p.Asp90Gly). This variant is not present in population databases (gnomAD no frequency). This variant has not been reported in the literature in individuals affected with PCDH19-related conditions. ClinVar contains an entry for this variant (Variation ID: 1481058). Advanced modeling of protein sequence and biophysical properties (such as structural, functional, and spatial information, amino acid conservation, physicochemical variation, residue mobility, and thermodynamic stability) has been performed at Invitae for this missense variant, however the output from this modeling did not meet the statistical confidence thresholds required to predict the impact of this variant on PCDH19 protein function. This variant disrupts the p.Asp90 amino acid residue in PCDH19. Other variant(s) that disrupt this residue have been determined to be pathogenic (Invitae). This suggests that this residue is clinically significant, and that variants that disrupt this residue are likely to be disease-causing. In summary, the currently available evidence indicates that the variant is pathogenic, but additional data are needed to prove that conclusively. Therefore, this variant has been classified as Likely Pathogenic.

NM_001184880.2(PCDH19):c.269A>G (p.Asp90Gly)

Gene: PCDH19 (protocadherin 19; minus strand). Cytogenetic location: Xq22.1.
Variant type: single nucleotide variant.
Coding change: c.269A>G on transcript NM_001184880.2 (MANE Select); coding-DNA position 269, A replaced by G.
Protein change: p.Asp90Gly; replaces aspartic acid 90 with glycine.
Molecular consequence: missense variant.
Genome position (GRCh38, 1-based): chrX:100,408,329, T>C on the plus strand (A>G on the coding strand, the complement: PCDH19 is on the minus strand). VCF-style: chrX-100408329-T-C. GRCh37 (hg19) VCF-style: chrX-99663327-T-C.
Other names: c.269A>G, p.Asp90Gly (NM_001105243.2, NM_020766.3); short protein forms D90G.
Identifiers: ClinVar variation 1481058 (VCV001481058.8), dbSNP rs2147542320, ClinGen allele CA414010933.
Genomic context (GRCh38, chrX:100,408,329, plus strand): 5'-ATTGAGCTGGACATGACCTCGAGCGAGATGATGCACTTGGGGCTCTGGCGGCACAGCAGA[T>C]CACGGTCAATCTTCTGCTTGGTGACCAGCAGGCCAGAGCTGGGATTGATGTCCACTAGGT-3'
Protein context (NP_001171809.1, residues 80-100): LLVTKQKIDR[Asp90Gly]LLCRQSPKCI